The following is an entry in ClinVar:

NM_000090.4(COL3A1):c.2766A>C (p.Pro922=)

Gene: COL3A1 (collagen type III alpha 1 chain; plus strand). Cytogenetic location: 2q32.2.
Variant type: single nucleotide variant.
Coding change: c.2766A>C on transcript NM_000090.4 (MANE Select); coding-DNA position 2766, A replaced by C.
Protein change: p.Pro922=; no amino-acid change (proline 922 retained).
Molecular consequence: synonymous variant.
Genome position (GRCh38, 1-based): chr2:189,004,086, A>C. VCF-style: chr2-189004086-A-C. GRCh37 (hg19) VCF-style: chr2-189868812-A-C.
Identifiers: ClinVar variation 920606 (VCV000920606.12), dbSNP rs915948354, ClinGen allele CA62557417.
Genomic context (GRCh38, chr2:189,004,086, plus strand): 5'-TGGGCCCCCAGGTCCTGCGGGTAACACTGGTGCTCCTGGCAGCCCTGGAGTGTCTGGACC[A>C]AAAGGTGATGCTGGCCAACCAGGAGAGAAGGGATCGCCTGGTGCCCAGGGCCCACCAGTA-3'
Protein context (NP_000081.2, residues 912-932): GAPGSPGVSG[Pro922=]KGDAGQPGEK

ClinVar aggregate classification (germline): Likely benign. Review status: criteria provided, multiple submitters, no conflicts (2 of 4 stars). 4 submissions from 4 submitters: Likely benign (4). Last evaluated 2023-12-24.

Conditions:
Familial thoracic aortic aneurysm and aortic dissection (TAAD). Also called: Thoracic aortic aneurysms and dissections. Identifiers: Orphanet 91387, MedGen C4707243, MONDO:0019625.
Ehlers-Danlos syndrome, type 4 (EDSVASC). Also called: Ehlers-Danlos Syndrome Type IV; Ehlers-Danlos syndrome vascular type; Ehlers Danlos syndrome, ecchymotic type; Ehlers Danlos syndrome, arterial type; Ehlers Danlos syndrome, Sack-Barabas type. Identifiers: Orphanet 286, MedGen C0268338, MONDO:0017314, OMIM 130050.

Allele frequency attached by ClinVar (database versions not stated): gnomAD 0.00001; TOPMed 0.00002.

Submissions (4):

Labcorp Genetics (formerly Invitae), Labcorp
Classification: Likely benign for Ehlers-Danlos syndrome, type 4. Last evaluated: 2023-12-24. Review status: criteria provided, single submitter. Criteria: Invitae Variant Classification Sherloc (09022015). Collection method: clinical testing. Allele origin: germline.

Ambry Genetics
Classification: Likely benign for Familial thoracic aortic aneurysm and aortic dissection. Last evaluated: 2023-10-26. Review status: criteria provided, single submitter. Criteria: Ambry Variant Classification Scheme 2023. Collection method: clinical testing. Allele origin: germline.

All of Us Research Program, National Institutes of Health
Classification: Likely benign for Ehlers-Danlos syndrome, type 4. Last evaluated: 2023-05-16. Review status: criteria provided, single submitter. Criteria: ACMG Guidelines, 2015. Collection method: clinical testing. Allele origin: germline. Inheritance: Autosomal dominant inheritance. Observed: 1 variant allele, 1 heterozygote.
Comment: This study involves interpretation of variants in research participants for the purpose of population health screening. Participant phenotype was not available at the time of variant classification. Additional details can be found in publication PMID: 35346344, PMCID: PMC8962531

Color Diagnostics, LLC DBA Color Health
Classification: Likely benign for Familial thoracic aortic aneurysm and aortic dissection. Last evaluated: 2019-05-15. Review status: criteria provided, single submitter. Criteria: ACMG Guidelines, 2015. Collection method: clinical testing. Allele origin: germline.